The following is an entry in ClinVar:

NM_018051.5(DYNC2I1):c.35C>T (p.Thr12Ile)

Gene: DYNC2I1 (dynein 2 intermediate chain 1; plus strand). Cytogenetic location: 7q36.3.
Variant type: single nucleotide variant.
Coding change: c.35C>T on transcript NM_018051.5 (MANE Select); coding-DNA position 35, C replaced by T.
Protein change: p.Thr12Ile; replaces threonine 12 with isoleucine.
Molecular consequence: missense variant. On other transcripts: 5 prime UTR variant (5).
Genome position (GRCh38, 1-based): chr7:158,869,874, C>T. VCF-style: chr7-158869874-C-T. GRCh37 (hg19) VCF-style: chr7-158662565-C-T.
Other names: c.-104C>T (NM_001350914.2); c.-483C>T (NM_001350915.2); c.-1324C>T (NM_001350916.2); c.-1332C>T (NM_001350917.2); c.-1451C>T (NM_001350918.2); short protein forms T12I.
Identifiers: ClinVar variation 2103993 (VCV002103993.4), dbSNP rs767198225, ClinGen allele CA4594219.

ClinVar aggregate classification (germline): Uncertain significance (1 of 4 stars; one submission).

Conditions:
Short-rib thoracic dysplasia 8 with or without polydactyly (SRTD8). Also called: SHORT-RIB THORACIC DYSPLASIA 8 WITH POLYDACTYLY. Identifiers: Orphanet 93271, MedGen C3809691, MONDO:0014214, OMIM 615503.

Allele frequency attached by ClinVar (database versions not stated): gnomAD 0.00001; ExAC 0.00002; gnomAD exomes 0.00002; TOPMed 0.00002.
gnomAD v4.1: 31 of 1,613,032 alleles (0.0019%); highest among the groups gnomAD compares: Non-Finnish European, 0.0025%; no homozygotes.

Submission:

Labcorp Genetics (formerly Invitae), Labcorp
Classification: Uncertain significance for Short-rib thoracic dysplasia 8 with or without polydactyly. Last evaluated: 2022-04-22. Review status: criteria provided, single submitter. Criteria: Invitae Variant Classification Sherloc (09022015). Collection method: clinical testing. Allele origin: germline.
Comment: This variant is present in population databases (rs767198225, gnomAD 0.002%). This sequence change replaces threonine, which is neutral and polar, with isoleucine, which is neutral and non-polar, at codon 12 of the WDR60 protein (p.Thr12Ile). This variant has not been reported in the literature in individuals affected with WDR60-related conditions. Algorithms developed to predict the effect of missense changes on protein structure and function are either unavailable or do not agree on the potential impact of this missense change (SIFT: "Tolerated"; PolyPhen-2: "Probably Damaging"; Align-GVGD: "Class C0"). In summary, the available evidence is currently insufficient to determine the role of this variant in disease. Therefore, it has been classified as a Variant of Uncertain Significance.